The following is an entry in ClinVar:

ClinVar aggregate classification (germline): Uncertain significance. Review status: criteria provided, multiple submitters, no conflicts (2 of 4 stars). 3 submissions from 3 submitters: Uncertain significance (2). 1 of the submissions does not count toward it. Last evaluated 2026-01-27.

Conditions:
Fumarase deficiency (FMRD). Also called: Fumarate Hydratase Deficiency; Fumaric aciduria. Identifiers: Orphanet 24, MedGen C0342770, MONDO:0011730, OMIM 606812.
Hereditary cancer-predisposing syndrome. Also called: Hereditary Cancer Syndrome; Neoplastic Syndromes, Hereditary; Tumor predisposition; Hereditary neoplastic syndrome. Identifiers: Orphanet 140162, MedGen C0027672, MeSH D009386, MONDO:0015356.

Allele frequency attached by ClinVar (database versions not stated): gnomAD exomes below 0.00001; TOPMed 0.00001.
gnomAD v4.1: 1 of 1,614,214 alleles (0.000062%); highest among the groups gnomAD compares: East Asian, 0.0022%; no homozygotes.

Submissions (3):

Ambry Genetics
Classification: Uncertain significance for Hereditary cancer-predisposing syndrome. Last evaluated: 2026-01-27. Review status: criteria provided, single submitter. Criteria: Ambry Variant Classification Scheme 2023. Collection method: clinical testing. Allele origin: germline.
Comment: The p.A327T variant (also known as c.979G>A), located in coding exon 7 of the FH gene, results from a G to A substitution at nucleotide position 979. The alanine at codon 327 is replaced by threonine, an amino acid with similar properties. This amino acid position is highly conserved in available vertebrate species. In addition, this alteration is predicted to be deleterious by in silico analysis. Based on the available evidence, the clinical significance of this variant remains unclear.

Labcorp Genetics (formerly Invitae), Labcorp
Classification: Uncertain significance. Last evaluated: 2024-10-08. Review status: criteria provided, single submitter. Criteria: Invitae Variant Classification Sherloc (09022015). Collection method: clinical testing. Allele origin: germline.
Comment: This sequence change replaces alanine, which is neutral and non-polar, with threonine, which is neutral and polar, at codon 327 of the FH protein (p.Ala327Thr). This variant is present in population databases (no rsID available, gnomAD 0.006%). This variant has not been reported in the literature in individuals affected with FH-related conditions. ClinVar contains an entry for this variant (Variation ID: 1042609). Invitae Evidence Modeling of protein sequence and biophysical properties (such as structural, functional, and spatial information, amino acid conservation, physicochemical variation, residue mobility, and thermodynamic stability) has been performed for this missense variant. However, the output from this modeling did not meet the statistical confidence thresholds required to predict the impact of this variant on FH protein function. In summary, the available evidence is currently insufficient to determine the role of this variant in disease. Therefore, it has been classified as a Variant of Uncertain Significance.

Natera, Inc.
Classification: Uncertain significance for Fumarase Deficiency. Last evaluated: 2021-03-17. Review status: no assertion criteria provided. Collection method: clinical testing. Allele origin: germline. Not counted in ClinVar's aggregate classification.

NM_000143.4(FH):c.979G>A (p.Ala327Thr)

Gene: FH (fumarate hydratase; minus strand). Cytogenetic location: 1q43.
Variant type: single nucleotide variant.
Coding change: c.979G>A on transcript NM_000143.4 (MANE Select); coding-DNA position 979, G replaced by A.
Protein change: p.Ala327Thr; replaces alanine 327 with threonine.
Molecular consequence: missense variant.
Genome position (GRCh38, 1-based): chr1:241,504,171, C>T on the plus strand (G>A on the coding strand, the complement: FH is on the minus strand). VCF-style: chr1-241504171-C-T. GRCh37 (hg19) VCF-style: chr1-241667471-C-T.
Other names: c.979G>A (NM_000143.3); short protein forms A327T.
Identifiers: ClinVar variation 1042609 (VCV001042609.17), dbSNP rs1333344957, ClinGen allele CA345438294.